The following continues an entry in ClinVar:

NM_007294.4(BRCA1):c.130T>A (p.Cys44Ser)

Gene: BRCA1. ClinVar aggregate classification (germline): Pathogenic. Pathogenic (1).

Submissions 10 to 17 of 17:

GeneDx
Classification: Pathogenic. Last evaluated: 2019-10-10. Review status: criteria provided, single submitter. Criteria: GeneDx Variant Classification Process June 2021. Collection method: clinical testing. Allele origin: germline. Affected: yes. Not counted in ClinVar's aggregate classification.
Comment: Published functional studies demonstrate a damaging effect: classified as non-functional based on a saturation genome editing assay assessing ability to support growth, and demonstrated defective homology-directed repair activity and BARD1 binding (Starita 2015, Findlay 2018, Caleca 2019); Multi-factorial studies suggest this variant is associated with breast and ovarian cancer (Lindor 2012); In silico analysis, which includes protein predictors and evolutionary conservation, supports a deleterious effect; No data available from control populations to assess the frequency of this variant; Observed in women with a history of breast and/or ovarian cancer and has been suggested to be a recurrent variant in the Greenlandic population (Borg 2010, Hansen 2010, Sweet 2010, Karami 2013); This variant is associated with the following publications: (PMID: 26295337, 21990134, 18182601, 19543972, 24489791, 20104584, 21520273, 20437199, 24312913, 25525159, 25823446, 30209399, 26833046, 21990165, 29339979, 29446198, 18465347, 30678073, 25348012, 30696104, 33087888)

Women's Health and Genetics/Laboratory Corporation of America, LabCorp
Classification: Pathogenic for Hereditary breast ovarian cancer syndrome. Last evaluated: 2017-06-09. Review status: criteria provided, single submitter. Criteria: LabCorp Variant Classification Summary - May 2015. Collection method: clinical testing. Allele origin: germline. Not counted in ClinVar's aggregate classification.
Comment: Variant summary: The BRCA1 c.130T>A (p.Cys44Ser) variant involves the alteration of a conserved nucleotide, resulting in a missense substitution at a highly conserved cysteine residue in the RING finger domain (InterPro). 5/5 in silico tools predict a damaging outcome for this variant. This variant is absent from the large control database ExAC and control cohorts reported in the literature (0/112062 control chromosomes). The variant has been identified in numerous HBOC patient. Several overlapping variants are present in HGMD (Cys44Arg, Cys44Gly, Cys44Phe, and Cys44Tyr), suggesting a mutational hotspot that is critical for protein function. In addition, this variant C44S has been functionally tested and shown to disrupt BARD1 binding, and impairs ubiquitin ligase activity and homolgy-directed repair (Starita_2015). Multiple clinical diagnostic laboratories/reputable databases have classified this variant as pathogenic. Taken together, this variant is classified as pathogenic.

Consortium of Investigators of Modifiers of BRCA1/2 (CIMBA), c/o University of Cambridge
Classification: Pathogenic for Breast-ovarian cancer, familial, susceptibility to, 1. Last evaluated: 2015-10-02. Review status: criteria provided, single submitter. Criteria: CIMBA Mutation Classification guidelines May 2016. Collection method: clinical testing. Allele origin: germline. Not counted in ClinVar's aggregate classification.

Department of Medical Genetics, Oslo University Hospital
Classification: Pathogenic for Breast-ovarian cancer, familial, susceptibility to, 1. Last evaluated: 2015-07-22. Review status: criteria provided, single submitter. Criteria: ACMG Guidelines, 2015. Collection method: clinical testing. Allele origin: germline. Affected: yes. Observed: 8 variant alleles. Not counted in ClinVar's aggregate classification.

BRCAlab, Lund University
Classification: Pathogenic for Breast-ovarian cancer, familial, susceptibility to, 1. Last evaluated: 2022-08-26. Review status: no assertion criteria provided. Collection method: clinical testing. Allele origin: germline. Affected: yes. Not counted in ClinVar's aggregate classification.

Counsyl
Classification: Pathogenic for Breast-ovarian cancer, familial, susceptibility to, 1. Last evaluated: 2016-12-13. Review status: no assertion criteria provided. Collection method: clinical testing. Allele origin: unknown. Not counted in ClinVar's aggregate classification.

Breast Cancer Information Core (BIC) (BRCA1)
Classification: Uncertain significance for Breast-ovarian cancer, familial 1. Last evaluated: 2003-12-23. Review status: no assertion criteria provided. Collection method: clinical testing. Allele origin: germline. Affected: yes. Observed: 1 variant allele. Not counted in ClinVar's aggregate classification.

Brotman Baty Institute, University of Washington
No classification provided (evidence only). Condition: Breast-ovarian cancer, familial 1. Review status: no classification provided. Collection method: in vitro. Allele origin: not applicable. Functional consequence: functionally_abnormal. Not counted in ClinVar's aggregate classification.
ClinVar note: "not provided" was previously submitted as the classification for the variant. However, the classification appeared to be based only on an observation of functional data so it was converted to no classification on 2025-07-30.

Literature cited by the submitters: PubMed 21990134 (cited by 5 submitters); PubMed 20437199 (cited by 5 submitters); PubMed 18182601 (cited by 3 submitters); PubMed 18500671 (cited by Labcorp Genetics (formerly Invitae), Labcorp); PubMed 19543972 (cited by 5 submitters); PubMed 20104584 (cited by 3 submitters); PubMed 30209399 (cited by 3 submitters); PubMed 12732733 (cited by Labcorp Genetics (formerly Invitae), Labcorp); PubMed 20029420 (cited by Labcorp Genetics (formerly Invitae), Labcorp); PubMed 25652403 (cited by Labcorp Genetics (formerly Invitae), Labcorp); PubMed 16403807 (cited by Labcorp Genetics (formerly Invitae), Labcorp); PubMed 20103620 (cited by Labcorp Genetics (formerly Invitae), Labcorp); PubMed 21725363 (cited by Labcorp Genetics (formerly Invitae), Labcorp); PubMed 21922593 (cited by Labcorp Genetics (formerly Invitae), Labcorp); PubMed 23161852 (cited by Labcorp Genetics (formerly Invitae), Labcorp); PubMed 27272900 (cited by Labcorp Genetics (formerly Invitae), Labcorp); PubMed 21520273 (cited by 3 submitters); PubMed 24489791 (cited by Ambry Genetics and Quest Diagnostics Nichols Institute San Juan Capistrano); PubMed 25525159 (cited by Ambry Genetics); PubMed 29339979 (cited by Quest Diagnostics Nichols Institute San Juan Capistrano); PubMed 33471991 (cited by Quest Diagnostics Nichols Institute San Juan Capistrano); PubMed 33087888 (cited by Quest Diagnostics Nichols Institute San Juan Capistrano); PubMed 29446198 (cited by Quest Diagnostics Nichols Institute San Juan Capistrano); PubMed 28888541 (cited by Quest Diagnostics Nichols Institute San Juan Capistrano); PubMed 25823446 (cited by 3 submitters); PubMed 26295337 (cited by Quest Diagnostics Nichols Institute San Juan Capistrano); PubMed 19267246 (cited by Women's Health and Genetics/Laboratory Corporation of America, LabCorp); PubMed 18465347 (cited by Women's Health and Genetics/Laboratory Corporation of America, LabCorp and Counsyl); PubMed 11573085 (cited by Counsyl); PubMed 25348012 (cited by Counsyl); PubMed 21990165 (cited by Counsyl); PubMed 26833046 (cited by Counsyl).